The following is an entry in ClinVar:

ClinVar aggregate classification (germline): Uncertain significance. Review status: criteria provided, multiple submitters, no conflicts (2 of 4 stars). 2 submissions from 2 submitters: Uncertain significance (2). Last evaluated 2026-09-09.

Conditions:
Inborn genetic diseases. Identifiers: MedGen C0950123, MeSH D030342.
EFL1-related disorder. Also called: EFL1-related condition.

gnomAD v4.1: 1 of 1,613,232 alleles (0.000062%); highest among the groups gnomAD compares: African/African-American, 0.0013%; no homozygotes.

Submissions (2):

Ambry Genetics
Classification: Uncertain significance for Inborn genetic diseases. Last evaluated: 2026-09-09. Review status: criteria provided, single submitter. Criteria: Ambry Variant Classification Scheme 2023. Collection method: clinical testing. Allele origin: germline.

PreventionGenetics, part of Exact Sciences
Classification: Uncertain significance for EFL1-related condition. Last evaluated: 2026-08-01. Review status: criteria provided, single submitter. Criteria: ACMG Guidelines, 2015. Collection method: clinical testing. Allele origin: germline.
Comment: The EFL1 c.2999A>T variant is predicted to result in the amino acid substitution p.Tyr1000Phe. To our knowledge, this variant has not been reported in the literature or in a large population database (gnomAD), indicating this variant is rare. At this time, the clinical significance of this variant is uncertain due to the absence of conclusive functional and genetic evidence.

NM_024580.6(EFL1):c.2999A>T (p.Tyr1000Phe)

Gene: EFL1 (elongation factor like GTPase 1; minus strand). Cytogenetic location: 15q25.2.
Variant type: single nucleotide variant.
Coding change: c.2999A>T on transcript NM_024580.6 (MANE Select); coding-DNA position 2999, A replaced by T.
Protein change: p.Tyr1000Phe; replaces tyrosine 1000 with phenylalanine.
Molecular consequence: missense variant. On other transcripts: non-coding transcript variant (1).
Genome position (GRCh38, 1-based): chr15:82,138,833, T>A on the plus strand (A>T on the coding strand, the complement: EFL1 is on the minus strand). VCF-style: chr15-82138833-T-A. GRCh37 (hg19) VCF-style: chr15-82431174-T-A.
Other names: c.2846A>T, p.Tyr949Phe (NM_001040610.3); c.2210A>T, p.Tyr737Phe (NM_001322844.2); c.2999A>T, p.Tyr1000Phe (NM_001322845.2); short protein forms Y737F, Y949F, Y1000F.
Identifiers: ClinVar variation 4978753 (VCV004978753.2).
Genomic context (GRCh38, chr15:82,138,833, plus strand): 5'-TCTGTCCCTTCTTTCATTTCTTCTTGAAGTACCCGACCTTCTCTCTTTGACAAGACAGCA[T>A]AGACTCGACCTGTAAAACCATAAATCTTTTAAAATCATGGATCAATCATATGGCTTGAGC-3'
Protein context (NP_078856.4, residues 990-1010): MATGDVLGRV[Tyr1000Phe]AVLSKREGRV